The following is an entry in ClinVar:

NM_020693.4(DSCAML1):c.1559G>A (p.Arg520Gln)

Gene: DSCAML1 (DS cell adhesion molecule like 1; minus strand). Cytogenetic location: 11q23.3.
Variant type: single nucleotide variant.
Coding change: c.1559G>A on transcript NM_020693.4 (MANE Select); coding-DNA position 1559, G replaced by A.
Protein change: p.Arg520Gln; replaces arginine 520 with glutamine.
Molecular consequence: missense variant.
Genome position (GRCh38, 1-based): chr11:117,516,691, C>T on the plus strand (G>A on the coding strand, the complement: DSCAML1 is on the minus strand). VCF-style: chr11-117516691-C-T. GRCh37 (hg19) VCF-style: chr11-117387406-C-T.
Other names: c.1559G>A, p.Arg520Gln (NM_001367904.1); short protein forms R520Q.
Identifiers: ClinVar variation 3842562 (VCV003842562.2).

ClinVar aggregate classification (germline): Uncertain significance. Review status: criteria provided, multiple submitters, no conflicts (2 of 4 stars). 2 submissions from 2 submitters: Uncertain significance (2). Last evaluated 2025-02-15.

gnomAD v4.1: 53 of 1,613,874 alleles (0.0033%); highest among the groups gnomAD compares: Non-Finnish European, 0.0041%; no homozygotes.

Submissions (2):

Labcorp Genetics (formerly Invitae), Labcorp
Classification: Uncertain significance. Last evaluated: 2025-02-15. Review status: criteria provided, single submitter. Criteria: Invitae Variant Classification Sherloc (09022015). Collection method: clinical testing. Allele origin: germline.
Comment: This sequence change replaces arginine, which is basic and polar, with glutamine, which is neutral and polar, at codon 580 of the DSCAML1 protein (p.Arg580Gln). This variant is present in population databases (rs777504529, gnomAD 0.004%). This variant has not been reported in the literature in individuals affected with DSCAML1-related conditions. An algorithm developed to predict the effect of missense changes on protein structure and function (PolyPhen-2) suggests that this variant is likely to be tolerated. In summary, the available evidence is currently insufficient to determine the role of this variant in disease. Therefore, it has been classified as a Variant of Uncertain Significance.

Ambry Genetics
Classification: Uncertain significance. Last evaluated: 2025-01-21. Review status: criteria provided, single submitter. Criteria: Ambry Variant Classification Scheme 2023. Collection method: clinical testing. Allele origin: germline.